The following is an entry in ClinVar:

NM_007294.4(BRCA1):c.3691T>C (p.Phe1231Leu)

Genes: BRCA1 (BRCA1 DNA repair associated; minus strand), LOC126862571 (BRD4-independent group 4 enhancer GRCh37_chr17:41243136-41244335; plus strand). Cytogenetic location: 17q21.31.
Variant type: single nucleotide variant.
Coding change: c.3691T>C on transcript NM_007294.4 (MANE Select); coding-DNA position 3691, T replaced by C.
Protein change: p.Phe1231Leu; replaces phenylalanine 1231 with leucine.
Molecular consequence: missense variant. On other transcripts: intron variant (135).
Genome position (GRCh38, 1-based): chr17:43,091,840, A>G on the plus strand (T>C on the coding strand, the complement: BRCA1 is on the minus strand). VCF-style: chr17-43091840-A-G. GRCh37 (hg19) VCF-style: chr17-41243857-A-G.
Other names: p.F1231L:TTT>CTT; 3810T>C; c.3478T>C, p.Phe1160Leu (NM_001407571.1, NM_001407853.1, NM_001407894.1 and 9 more transcripts); c.3691T>C, p.Phe1231Leu (NM_001407581.1, NM_001407582.1, NM_001407602.1 and 30 more transcripts); c.3688T>C, p.Phe1230Leu (NM_001407610.1, NM_001407611.1, NM_001407612.1 and 22 more transcripts); c.3682T>C, p.Phe1228Leu (NM_001407646.1, NM_001407647.1); c.3568T>C, p.Phe1190Leu (NM_001407648.1, NM_001407664.1, NM_001407665.1 and 19 more transcripts); c.3565T>C, p.Phe1189Leu (NM_001407649.1, NM_001407670.1, NM_001407671.1 and 11 more transcripts); and 43 more; short protein forms F1231L, F1184L, F1104L, F1143L, F1160L, F1190L, F363L, F935L.
Identifiers: ClinVar variation 37541 (VCV000037541.41), dbSNP rs41293451, ClinGen allele CA002361.
Genomic context (GRCh38, chr17:43,091,840, plus strand): 5'-ACTCGGTAGCAACGGTGCTATGCCTAGTAGACTGAGAAGGTATATTGTTTACTTTACCAA[A>G]TAACAAGTGTTGGAAGCAGGGAAGCTCTTCATCCTCACTAGATAAGTTCTCTTCTGAGGA-3'
Protein context (NP_009225.1, residues 1221-1241): EELPCFQHLL[Phe1231Leu]GKVNNIPSQS

ClinVar aggregate classification (germline): Conflicting classifications of pathogenicity. Review status: criteria provided, conflicting classifications (1 of 4 stars). 15 submissions from 15 submitters: Uncertain significance (2); Benign (2); Likely benign (8). 3 of the submissions do not count toward it. Last evaluated 2026-07-01.

Conditions:
Fanconi anemia, complementation group S (FANCS). Identifiers: MedGen C4554406, MONDO:0054748, OMIM 617883.
BRCA1-related disorder. Also called: BRCA1-related condition.
Hereditary cancer-predisposing syndrome. Also called: Neoplastic Syndromes, Hereditary; Hereditary neoplastic syndrome; Hereditary Cancer Syndrome; Tumor predisposition. Identifiers: Orphanet 140162, MedGen C0027672, MeSH D009386, MONDO:0015356.
Hereditary breast ovarian cancer syndrome. Also called: Hereditary breast and ovarian cancer syndrome (HBOC); Breast and ovarian cancer; BRCA1- and BRCA2-Associated Hereditary Breast and Ovarian Cancer; Hereditary breast and ovarian cancer syndrome; Hereditary breast and ovarian cancer; Hereditary breast and/or ovarian cancer syndrome. Identifiers: Orphanet 145, MedGen C0677776, MeSH D061325, MONDO:0003582. Disease mechanism: loss of function.
Breast-ovarian cancer, familial, susceptibility to, 1 (BROVCA1). Also called: BRCA1 Hereditary Breast and Ovarian Cancer; OVARIAN CANCER, SUSCEPTIBILITY TO. Identifiers: Orphanet 145, MedGen C2676676, MONDO:0011450, OMIM 604370. Disease mechanism: loss of function.

Allele frequency attached by ClinVar (database versions not stated): 1000 Genomes Project 30x 0.00031; gnomAD exomes 0.00001 and 0.00003; ESP Exome Variant Server 0.00015; TOPMed 0.00016; 1000 Genomes Project 0.00040; ExAC 0.00003; gnomAD 0.00013.
gnomAD v4.1: 40 of 1,614,196 alleles (0.0025%); highest among the groups gnomAD compares: African/African-American, 0.048%; no homozygotes.

Submissions (15):

CeGaT Center for Human Genetics Tuebingen
Classification: Likely benign. Last evaluated: 2026-07-01. Review status: criteria provided, single submitter. Criteria: CeGaT Center For Human Genetics Tuebingen Variant Classification Criteria Version 2. Collection method: clinical testing. Allele origin: germline. Affected: yes. Observed: 1 variant allele.
Comment: BRCA1: BS2

Labcorp Genetics (formerly Invitae), Labcorp
Classification: Likely benign for Hereditary breast ovarian cancer syndrome. Last evaluated: 2026-01-31. Review status: criteria provided, single submitter. Criteria: Invitae Variant Classification Sherloc (09022015). Collection method: clinical testing. Allele origin: germline.

Dasa
Classification: Likely benign for Breast-ovarian cancer, familial, susceptibility to, 1. Last evaluated: 2025-12-18. Review status: criteria provided, single submitter. Criteria: DASA Assertion Criteria. Collection method: clinical testing. Allele origin: germline.
Comment: NM_007294.4(BRCA1):c.3691T>C (p.Phe1231Leu) is a missense variant that results in the substitution of phenylalanine with leucine. Population frequency is inconsistent with a disease-causing role for this variant. Computational prediction algorithms are consistent with a benign effect. Therefore, based on the currently available evidence, this variant is classified as likely benign.

Women's Health and Genetics/Laboratory Corporation of America, LabCorp
Classification: Likely benign. Last evaluated: 2025-07-03. Review status: criteria provided, single submitter. Criteria: LabCorp Variant Classification Summary - May 2015. Collection method: clinical testing. Allele origin: germline.
Comment: Variant summary: BRCA1 c.3691T>C (p.Phe1231Leu) results in a non-conservative amino acid change in the encoded protein sequence. Algorithms developed to predict the effect of missense changes on protein structure and function are either unavailable or do not agree on the potential impact of this missense change. The variant allele was found at a frequency of 3.2e-05 in 251286 control chromosomes, predominantly at a frequency of 0.00043 within the African or African-American subpopulation in the gnomAD database. The variant was also observed in two individuals in the Flossies database. c.3691T>C has been reported in the literature in individuals affected with breast cancer (e.g. Pal_2015, Zabala_2018, Guindalini_2022). These reports do not provide unequivocal conclusions about association of the variant with Hereditary Breast And Ovarian Cancer Syndrome. Co-occurrence with a pathogenic variant has been observed in our lab (BRCA2 c.518delG, p.Gly173ValfsX12), providing supporting evidence for a benign role.To our knowledge, no experimental evidence demonstrating an impact on protein function has been reported. The following publications have been ascertained in the context of this evaluation (PMID: 26287763, 30400234, 35264596). ClinVar contains an entry for this variant (Variation ID: 37541). Based on the evidence outlined above, the variant was classified as likely benign.

Department of Pathology and Laboratory Medicine, Sinai Health System
Classification: Likely benign for Fanconi anemia, complementation group S. Last evaluated: 2023-11-27. Review status: criteria provided, single submitter. Criteria: ACMG Guidelines, 2015. Collection method: clinical testing. Allele origin: germline. Affected: yes.

University of Washington Department of Laboratory Medicine, University of Washington
Classification: Likely benign for Hereditary cancer-predisposing syndrome. Last evaluated: 2023-03-23. Review status: criteria provided, single submitter. Criteria: Dines et al. (Genet Med. 2020). Collection method: curation. Allele origin: germline.
Comment: Missense variant in a coldspot region where missense variants are very unlikely to be pathogenic (PMID:31911673).

BRCA1 coldspot (exon 11 using historical exon numbering). Reclassification based on statistical prior probability

Quest Diagnostics Nichols Institute San Juan Capistrano
Classification: Likely benign. Last evaluated: 2023-02-06. Review status: criteria provided, single submitter. Criteria: Quest Diagnostics criteria. Collection method: clinical testing. Allele origin: unknown.

Sema4
Classification: Uncertain significance for Hereditary cancer-predisposing syndrome. Last evaluated: 2021-11-01. Review status: criteria provided, single submitter. Criteria: Sema4 Curation Guidelines. Collection method: curation. Allele origin: germline.
Comment: The BRCA1 c.3691T>C (p.F1231L) variant has been reported in heterozygosity in at least two individuals with breast cancer (PMID: 26287763, 30400234). This variant was observed in 9/24974 chromosomes in the African/African American subpopulation in the large and broad cohorts of the Genome Aggregation Database (PMID: 32461654). This variant has been reported in ClinVar (Variation ID: 37541). Functional studies have not been performed, and in silico predictions of the variant's effect on protein function are inconclusive. The evidence is insufficient to meet ACMG/AMP criteria for classifying the variant as benign or pathogenic. Thus, the clinical significance of this variant is currently uncertain.

GeneDx
Classification: Likely benign. Last evaluated: 2020-12-20. Review status: criteria provided, single submitter. Criteria: GeneDx Variant Classification Process June 2021. Collection method: clinical testing. Allele origin: germline. Affected: yes.
Comment: This variant is associated with the following publications: (PMID: 25348012, 26295337, 23704879, 15385441, 28873162, 30400234)

Mendelics
Classification: Uncertain significance for Hereditary breast and ovarian cancer syndrome. Last evaluated: 2018-07-02. Review status: criteria provided, single submitter. Criteria: Mendelics Assertion Criteria 2017. Collection method: clinical testing. Allele origin: unknown.

Color Diagnostics, LLC DBA Color Health
Classification: Benign for Hereditary cancer-predisposing syndrome. Last evaluated: 2016-02-24. Review status: criteria provided, single submitter. Criteria: ACMG Guidelines, 2015. Collection method: clinical testing. Allele origin: germline.

Ambry Genetics
Classification: Benign for Hereditary cancer-predisposing syndrome. Last evaluated: 2014-11-18. Review status: criteria provided, single submitter. Criteria: Ambry Variant Classification Scheme 2023. Collection method: clinical testing. Allele origin: germline.

PreventionGenetics, part of Exact Sciences
Classification: Likely benign for BRCA1-related condition. Last evaluated: 2019-03-21. Review status: no assertion criteria provided. Collection method: clinical testing. Allele origin: germline. Not counted in ClinVar's aggregate classification.
Comment: This variant is classified as likely benign based on ACMG/AMP sequence variant interpretation guidelines (Richards et al. 2015 PMID: 25741868, with internal and published modifications).

Sharing Clinical Reports Project (SCRP)
Classification: Benign for Breast-ovarian cancer, familial 1. Last evaluated: 2010-02-25. Review status: no assertion criteria provided. Collection method: clinical testing. Allele origin: germline. Not counted in ClinVar's aggregate classification.

Breast Cancer Information Core (BIC) (BRCA1)
Classification: Uncertain significance for Breast-ovarian cancer, familial 1. Last evaluated: 2003-12-23. Review status: no assertion criteria provided. Collection method: clinical testing. Allele origin: germline. Affected: yes. Observed: 1 variant allele. Not counted in ClinVar's aggregate classification.

Literature cited by the submitters: PubMed 26287763 (cited by 4 submitters); PubMed 30400234 (cited by 4 submitters); PubMed 35264596 (cited by Women's Health and Genetics/Laboratory Corporation of America, LabCorp and Department of Pathology and Laboratory Medicine, Sinai Health System); PubMed 15385441 (cited by Quest Diagnostics Nichols Institute San Juan Capistrano); PubMed 25348012 (cited by Quest Diagnostics Nichols Institute San Juan Capistrano); PubMed 23704879 (cited by Quest Diagnostics Nichols Institute San Juan Capistrano); PubMed 26295337 (cited by Quest Diagnostics Nichols Institute San Juan Capistrano); PubMed 28873162 (cited by Quest Diagnostics Nichols Institute San Juan Capistrano).